The following is an entry in ClinVar:

NM_006734.4(HIVEP2):c.5994C>G (p.Tyr1998Ter)

Gene: HIVEP2 (HIVEP zinc finger 2; minus strand). Cytogenetic location: 6q24.2.
Variant type: single nucleotide variant.
Coding change: c.5994C>G on transcript NM_006734.4 (MANE Select); coding-DNA position 5994, C replaced by G.
Protein change: p.Tyr1998Ter; replaces tyrosine 1998 with a stop codon.
Molecular consequence: nonsense.
Genome position (GRCh38, 1-based): chr6:142,760,294, G>C on the plus strand (C>G on the coding strand, the complement: HIVEP2 is on the minus strand). VCF-style: chr6-142760294-G-C. GRCh37 (hg19) VCF-style: chr6-143081431-G-C.
Other names: short protein forms Y1998*.
Identifiers: ClinVar variation 3382760 (VCV003382760.2).
Genomic context (GRCh38, chr6:142,760,294, plus strand): 5'-TATGTCCAATCTGTCTTTGTCTGGTTCTGAGTCCGTACTTTTGCTCTGGAATAGCCTCTG[G>C]TATTCTGTCATCTGGGTATCTTCACATGAATCACTGGGTGTCATAAGCTGAGTAACTCGA-3'

ClinVar aggregate classification (germline): Pathogenic (1 of 4 stars; one submission).

Conditions:
Intellectual developmental disorder, autosomal dominant 43. Also called: Intellectual disability, autosomal dominant 43. Identifiers: MedGen C4707429, MONDO:0014858, OMIM 616977.

Submission:

Juno Genomics, Hangzhou Juno Genomics, Inc
Classification: Pathogenic for Intellectual developmental disorder, autosomal dominant 43. Review status: criteria provided, single submitter. Criteria: ACMG Guidelines, 2015. Collection method: clinical testing. Allele origin: germline. Affected: yes.
Comment: Absent from controls (or at extremely low frequency if recessive) in Genome Aggregation Database, Exome Sequencing Project, 1000 Genomes Project, or Exome Aggregation Consortium.;De novo (both maternity and paternity confirmed) in a patient with the disease and no family history.;Null variant in a gene where loss of function (LOF) is a known mechanism of disease.